The following is an entry in ClinVar:

NM_016222.4(DDX41):c.1301del (p.Pro434fs)

Gene: DDX41 (DEAD-box helicase 41; minus strand). Cytogenetic location: 5q35.3.
Variant type: Deletion.
Coding change: c.1301del on transcript NM_016222.4 (MANE Select); coding-DNA position 1301, one base deleted (C; older notation c.1301delC).
Protein change: p.Pro434fs; shifts the reading frame from proline 434.
Molecular consequence: frameshift variant.
Genome position (GRCh38, 1-based): chr5:177,513,012, G deleted on the plus strand (C on the coding strand, the reverse complement: DDX41 is on the minus strand); the first of 2 consecutive G bases (chr5:177,513,012-177,513,013); deleting either gives the same sequence. VCF-style (leftmost placement, unchanged base first): chr5-177513011-AG-A. GRCh37 (hg19) VCF-style: chr5-176940012-AG-A.
Other names: c.923del, p.Pro308fs (NM_001321732.2, NM_001321830.2); c.1301delC (NM_016222.2); short protein forms P308fs, P434fs.
Identifiers: ClinVar variation 4280624 (VCV004280624.2).

ClinVar aggregate classification (germline): Pathogenic/Likely pathogenic. Review status: criteria provided, multiple submitters, no conflicts (2 of 4 stars). 2 submissions from 2 submitters: Pathogenic (1); Likely pathogenic (1). Last evaluated 2025-11-17.

Conditions:
DDX41-related hematologic malignancy predisposition syndrome. Also called: DDX41-Associated Familial Myelodysplastic Syndrome and Acute Myeloid Leukemia; Myeloproliferative/lymphoproliferative neoplasms, familial (multiple types), susceptibility to. Identifiers: Orphanet 488647, MedGen C4225174, MONDO:0014809, OMIM 616871.
Inborn genetic diseases. Identifiers: MedGen C0950123, MeSH D030342.

Submissions (2):

Ambry Genetics
Classification: Pathogenic for Inborn genetic diseases. Last evaluated: 2025-11-17. Review status: criteria provided, single submitter. Criteria: Ambry Variant Classification Scheme 2023. Collection method: clinical testing. Allele origin: germline.
Comment: The c.1301delC pathogenic mutation, located in coding exon 12 of the DDX41 gene, results from a deletion of one nucleotide at nucleotide position 1301, causing a translational frameshift with a predicted alternate stop codon (p.P434Lfs*27). This variant is considered to be rare based on population cohorts in the Genome Aggregation Database (gnomAD). This alteration is expected to result in loss of function by premature protein truncation or nonsense-mediated mRNA decay. As such, this alteration is interpreted as a disease-causing mutation.

Molecular Diagnostics Laboratory, M Health Fairview: University of Minnesota
Classification: Likely pathogenic for DDX41-related hematologic malignancy predisposition syndrome. Last evaluated: 2024-10-30. Review status: criteria provided, single submitter. Criteria: ACMG Guidelines, 2015. Collection method: clinical testing. Allele origin: germline. Affected: yes.